The following is an entry in ClinVar:

ClinVar aggregate classification (germline): Uncertain significance. Review status: criteria provided, multiple submitters, no conflicts (2 of 4 stars). 2 submissions from 2 submitters: Uncertain significance (2). Last evaluated 2025-07-14.

Conditions:
Tuberous sclerosis 2 (TSC2). Identifiers: Orphanet 805, MedGen C1860707, MONDO:0013199, OMIM 613254.

Submissions (2):

Labcorp Genetics (formerly Invitae), Labcorp
Classification: Uncertain significance for Tuberous sclerosis 2. Last evaluated: 2025-07-14. Review status: criteria provided, single submitter. Criteria: Invitae Variant Classification Sherloc (09022015). Collection method: clinical testing. Allele origin: germline.
Comment: This sequence change replaces glycine, which is neutral and non-polar, with aspartic acid, which is acidic and polar, at codon 1596 of the TSC2 protein (p.Gly1596Asp). This variant is not present in population databases (gnomAD no frequency). This missense change has been observed in individual(s) with clinical features of TSC2-related conditions (PMID: 37329172). ClinVar contains an entry for this variant (Variation ID: 1330461). Invitae Evidence Modeling of protein sequence and biophysical properties (such as structural, functional, and spatial information, amino acid conservation, physicochemical variation, residue mobility, and thermodynamic stability) has been performed for this missense variant. However, the output from this modeling did not meet the statistical confidence thresholds required to predict the impact of this variant on TSC2 protein function. Experimental studies are conflicting or provide insufficient evidence to determine the effect of this variant on TSC2 function (PMID: 32502382). In summary, the available evidence is currently insufficient to determine the role of this variant in disease. Therefore, it has been classified as a Variant of Uncertain Significance.

ARUP Laboratories, Molecular Genetics and Genomics, ARUP Laboratories
Classification: Uncertain significance. Last evaluated: 2021-11-02. Review status: criteria provided, single submitter. Criteria: ARUP Molecular Germline Variant Investigation Process 2021. Collection method: clinical testing. Allele origin: germline.
Comment: The TSC2 c.4787G>A; p.Gly1596Asp variant, to our knowledge, is not reported in the medical literature but is reported in the LOVD database (see link). This variant is absent from the Genome Aggregation Database, indicating it is not a common polymorphism. The glycine at codon 1596 is highly conserved, and computational analyses predict that this variant is deleterious (REVEL: 0.960). Due to limited information, the clinical significance of the p.Gly1596Asp variant is uncertain at this time.. References: Link to LOVD for TSC2

Literature cited by the submitters: PubMed 37329172 (cited by Labcorp Genetics (formerly Invitae), Labcorp); PubMed 32502382 (cited by Labcorp Genetics (formerly Invitae), Labcorp).

NM_000548.5(TSC2):c.4787G>A (p.Gly1596Asp)

Gene: TSC2 (TSC complex subunit 2; plus strand). Cytogenetic location: 16p13.3.
Variant type: single nucleotide variant.
Coding change: c.4787G>A on transcript NM_000548.5 (MANE Select); coding-DNA position 4787, G replaced by A.
Protein change: p.Gly1596Asp; replaces glycine 1596 with aspartic acid.
Molecular consequence: missense variant.
Genome position (GRCh38, 1-based): chr16:2,086,317, G>A. VCF-style: chr16-2086317-G-A. GRCh37 (hg19) VCF-style: chr16-2136318-G-A.
Other names: c.4586G>A, p.Gly1529Asp (NM_001077183.3); c.4718G>A, p.Gly1573Asp (NM_001114382.3); c.4478G>A, p.Gly1493Asp (NM_001318827.2); c.4442G>A, p.Gly1481Asp (NM_001318829.2); c.4055G>A, p.Gly1352Asp (NM_001318831.2); c.4619G>A, p.Gly1540Asp (NM_001318832.2); c.4589G>A, p.Gly1530Asp (NM_001363528.2); c.4655G>A, p.Gly1552Asp (NM_001370404.1); and 1 more; short protein forms G1352D, G1481D, G1493D, G1529D, G1530D, G1540D, G1552D, G1553D.
Identifiers: ClinVar variation 1330461 (VCV001330461.13), dbSNP rs397515014, ClinGen allele CA394307974.